The following is an entry in ClinVar:

ClinVar aggregate classification (germline): Uncertain significance (1 of 4 stars; one submission).

Conditions:
Hereditary pancreatitis (PCTT). Also called: Hereditary chronic pancreatitis; PRSS1-Related Hereditary Pancreatitis. Identifiers: Orphanet 676, MedGen C0238339, MONDO:0008185, OMIM 167800.

Submission:

Ambry Genetics
Classification: Uncertain significance for Hereditary pancreatitis. Last evaluated: 2025-04-18. Review status: criteria provided, single submitter. Criteria: Ambry Variant Classification Scheme 2023. Collection method: clinical testing. Allele origin: germline.
Comment: The p.Y154C variant (also known as c.461A>G), located in coding exon 4 of the PRSS1 gene, results from an A to G substitution at nucleotide position 461. The tyrosine at codon 154 is replaced by cysteine, an amino acid with highly dissimilar properties. This amino acid position is conserved. In addition, the in silico prediction for this alteration is inconclusive. Based on the available evidence, the clinical significance of this variant remains unclear.

NM_002769.5(PRSS1):c.461A>G (p.Tyr154Cys)

Genes: PRSS1 (serine protease 1; plus strand), TRB (T cell receptor beta locus; plus strand). Cytogenetic location: 7q34.
Variant type: single nucleotide variant.
Coding change: c.461A>G on transcript NM_002769.5 (MANE Select); coding-DNA position 461, A replaced by G.
Protein change: p.Tyr154Cys; replaces tyrosine 154 with cysteine.
Molecular consequence: missense variant. On other transcripts: non-coding transcript variant (5).
Genome position (GRCh38, 1-based): chr7:142,752,437, A>G. VCF-style: chr7-142752437-A-G. GRCh37 (hg19) VCF-style: chr7-142460288-A-G.
Other names: short protein forms Y154C.
Identifiers: ClinVar variation 3939048 (VCV003939048.1).